The following is an entry in ClinVar:

ClinVar aggregate classification (germline): Uncertain significance. Review status: criteria provided, multiple submitters, no conflicts (2 of 4 stars). 5 submissions from 5 submitters: Uncertain significance (5). Last evaluated 2025-04-24.

Conditions:
Cardiovascular phenotype. Identifiers: MedGen CN230736.
Lethal acantholytic epidermolysis bullosa (EBLA). Identifiers: Orphanet 158687, MedGen C1864826, MONDO:0012323, OMIM 609638.
Arrhythmogenic cardiomyopathy with wooly hair and keratoderma. Also called: PALMOPLANTAR KERATODERMA WITH LEFT VENTRICULAR CARDIOMYOPATHY AND WOOLLY HAIR; Arrhythmogenic cardiomyopathy with woolly hair and keratoderma; Dilated cardiomyopathy with woolly hair and keratoderma; Carvajal syndrome. Identifiers: Orphanet 65282, MedGen C1854063, MONDO:0011581, OMIM 605676.
Keratosis palmoplantaris striata 2. Also called: Keratosis palmoplantaris striata II; KERATODERMA, PALMOPLANTAR, STRIATE FORM II; STRIATE PALMOPLANTAR KERATODERMA II. Identifiers: MedGen C1852127, MONDO:0013034, OMIM 612908.
Woolly hair-skin fragility syndrome (WHSF). Identifiers: Orphanet 293165, MedGen C1843292, MONDO:0957307, OMIM 620415.
Arrhythmogenic right ventricular dysplasia 8 (ARVD8). Also called: ARRHYTHMOGENIC RIGHT VENTRICULAR CARDIOMYOPATHY 8; ARRHYTHMOGENIC RIGHT VENTRICULAR DYSPLASIA, FAMILIAL, 8; Arrhythmogenic Right Ventricular Dysplasia/Cardiomyopathy 8. Identifiers: MedGen C1843896, MONDO:0011831, OMIM 607450.
Cardiomyopathy, dilated, with wooly hair, keratoderma, and tooth agenesis. Also called: Cardiomyopathy, dilated, with woolly hair, keratoderma, and tooth agenesis; Erythrokeratodermia-cardiomyopathy syndrome. Identifiers: Orphanet 476096, Orphanet 65282, MedGen C4014393, MONDO:0014355, OMIM 615821.
Cardiomyopathy (CMYO). Also called: Cardiomyopathies. Identifiers: Orphanet 167848, MedGen C0878544, MONDO:0004994, HP:0001638. Inheritance: Various modes of inheritance.

Allele frequency attached by ClinVar (database versions not stated): gnomAD exomes 0.00001; TOPMed 0.00001.
gnomAD v4.1: 7 of 1,614,222 alleles (0.00043%); highest among the groups gnomAD compares: Non-Finnish European, 0.00059%; no homozygotes.

Submissions (5):

Labcorp Genetics (formerly Invitae), Labcorp
Classification: Uncertain significance for Arrhythmogenic cardiomyopathy with wooly hair and keratoderma; Arrhythmogenic right ventricular dysplasia 8. Last evaluated: 2025-04-24. Review status: criteria provided, single submitter. Criteria: Invitae Variant Classification Sherloc (09022015). Collection method: clinical testing. Allele origin: germline.
Comment: This sequence change replaces lysine, which is basic and polar, with arginine, which is basic and polar, at codon 2484 of the DSP protein (p.Lys2484Arg). This variant is present in population databases (no rsID available, gnomAD 0.002%). This variant has not been reported in the literature in individuals affected with DSP-related conditions. ClinVar contains an entry for this variant (Variation ID: 520246). An algorithm developed to predict the effect of missense changes on protein structure and function outputs the following: PolyPhen-2: "Benign". The arginine amino acid residue is found in multiple mammalian species, which suggests that this missense change does not adversely affect protein function. In summary, the available evidence is currently insufficient to determine the role of this variant in disease. Therefore, it has been classified as a Variant of Uncertain Significance.

Color Diagnostics, LLC DBA Color Health
Classification: Uncertain significance for Cardiomyopathy. Last evaluated: 2024-03-06. Review status: criteria provided, single submitter. Criteria: ACMG Guidelines, 2015. Collection method: clinical testing. Allele origin: germline.
Comment: This missense variant replaces lysine with arginine at codon 2484 of the DSP protein. Computational prediction suggests that this variant may not impact protein structure and function (internally defined REVEL score threshold <= 0.5, PMID: 27666373). To our knowledge, functional studies have not been reported for this variant. This variant has not been reported in individuals affected with DSP-related disorders in the literature. This variant has been identified in 2/251448 chromosomes in the general population by the Genome Aggregation Database (gnomAD). The available evidence is insufficient to determine the role of this variant in disease conclusively. Therefore, this variant is classified as a Variant of Uncertain Significance.

All of Us Research Program, National Institutes of Health
Classification: Uncertain significance for Arrhythmogenic cardiomyopathy with wooly hair and keratoderma. Last evaluated: 2023-12-01. Review status: criteria provided, single submitter. Criteria: ACMG Guidelines, 2015. Collection method: clinical testing. Allele origin: germline. Inheritance: Autosomal dominant inheritance. Observed: 5 variant alleles, 5 heterozygotes.
Comment: This missense variant replaces lysine with arginine at codon 2484 of the DSP protein. Computational prediction suggests that this variant may not impact protein structure and function (internally defined REVEL score threshold <= 0.5, PMID: 27666373). To our knowledge, functional studies have not been reported for this variant. This variant has not been reported in individuals affected with DSP-related disorders in the literature. This variant has been identified in 2/251448 chromosomes in the general population by the Genome Aggregation Database (gnomAD). The available evidence is insufficient to determine the role of this variant in disease conclusively. Therefore, this variant is classified as a Variant of Uncertain Significance.

This study involves interpretation of variants in research participants for the purpose of population health screening. Participant phenotype was not available at the time of variant classification. Additional details can be found in publication PMID: 35346344, PMCID: PMC8962531

Ambry Genetics
Classification: Uncertain significance for Cardiovascular phenotype. Last evaluated: 2021-10-29. Review status: criteria provided, single submitter. Criteria: Ambry Variant Classification Scheme 2023. Collection method: clinical testing. Allele origin: germline.
Comment: The p.K2484R variant (also known as c.7451A>G), located in coding exon 24 of the DSP gene, results from an A to G substitution at nucleotide position 7451. The lysine at codon 2484 is replaced by arginine, an amino acid with highly similar properties. This amino acid position is not well conserved in available vertebrate species. In addition, this alteration is predicted to be tolerated by in silico analysis. Since supporting evidence is limited at this time, the clinical significance of this alteration remains unclear.

Fulgent Genetics
Classification: Uncertain significance for Arrhythmogenic cardiomyopathy with wooly hair and keratoderma; Arrhythmogenic right ventricular dysplasia 8; Lethal acantholytic epidermolysis bullosa; Keratosis palmoplantaris striata 2; Cardiomyopathy, dilated, with wooly hair, keratoderma, and tooth agenesis. Last evaluated: 2021-09-20. Review status: criteria provided, single submitter. Criteria: ACMG Guidelines, 2015. Collection method: clinical testing. Allele origin: unknown.

NM_004415.4(DSP):c.7451A>G (p.Lys2484Arg)

Gene: DSP (desmoplakin; plus strand). Cytogenetic location: 6p24.3.
Variant type: single nucleotide variant.
Coding change: c.7451A>G on transcript NM_004415.4 (MANE Select); coding-DNA position 7451, A replaced by G.
Protein change: p.Lys2484Arg; replaces lysine 2484 with arginine.
Molecular consequence: missense variant.
Genome position (GRCh38, 1-based): chr6:7,584,713, A>G. VCF-style: chr6-7584713-A-G. GRCh37 (hg19) VCF-style: chr6-7584946-A-G.
Other names: c.7451A>G (LRG_423t1); c.5654A>G, p.Lys1885Arg (NM_001008844.3); c.6122A>G, p.Lys2041Arg (NM_001319034.2); short protein forms K2484R, K1885R, K2041R.
Identifiers: ClinVar variation 520246 (VCV000520246.19), dbSNP rs1346398330, ClinGen allele CA362693037.